The following is an entry in ClinVar:

NM_004183.4(BEST1):c.722C>A (p.Thr241Asn)

Gene: BEST1 (bestrophin 1; plus strand). Cytogenetic location: 11q12.3.
Variant type: single nucleotide variant.
Coding change: c.722C>A on transcript NM_004183.4 (MANE Select); coding-DNA position 722, C replaced by A.
Protein change: p.Thr241Asn; replaces threonine 241 with asparagine.
Molecular consequence: missense variant. On other transcripts: non-coding transcript variant (1).
Genome position (GRCh38, 1-based): chr11:61,958,153, C>A. VCF-style: chr11-61958153-C-A. GRCh37 (hg19) VCF-style: chr11-61725625-C-A.
Other names: c.542C>A, p.Thr181Asn (NM_001139443.3, NM_001300786.2, NM_001300787.2); c.404C>A, p.Thr135Asn (NM_001363591.3); c.722C>A, p.Thr241Asn (NM_001363592.2); c.-454C>A (NM_001363593.3); short protein forms T241N, T135N, T181N.
Identifiers: ClinVar variation 99748 (VCV000099748.10), dbSNP rs281865247, ClinGen allele CA227813.

ClinVar aggregate classification (germline): Pathogenic/Likely pathogenic. Review status: criteria provided, multiple submitters, no conflicts (2 of 4 stars). 4 submissions from 4 submitters: Pathogenic (1); Likely pathogenic (2). 1 of the submissions does not count toward it. Last evaluated 2021-11-20.

Conditions:
Retinal dystrophy. Also called: Inherited retinal dystrophy. Identifiers: Orphanet 71862, MedGen C0854723, MeSH D058499, MONDO:0019118, HP:0000556.
BEST1-related disorder. Also called: BEST1-related disorders; BEST1-related condition. Identifiers: MedGen CN239200.

Submissions (4):

Blueprint Genetics
Classification: Likely pathogenic for BEST1-related disorders. Last evaluated: 2021-11-20. Review status: criteria provided, single submitter. Criteria: ACMG Guidelines, 2015. Collection method: clinical testing. Allele origin: germline. Affected: yes. Observed: 1 variant allele.

Labcorp Genetics (formerly Invitae), Labcorp
Classification: Pathogenic. Last evaluated: 2021-05-06. Review status: criteria provided, single submitter. Criteria: Invitae Variant Classification Sherloc (09022015). Collection method: clinical testing. Allele origin: germline.
Comment: This variant is not present in population databases (ExAC no frequency). This sequence change replaces threonine with asparagine at codon 241 of the BEST1 protein (p.Thr241Asn). The threonine residue is highly conserved and there is a small physicochemical difference between threonine and asparagine. For these reasons, this variant has been classified as Pathogenic. Advanced modeling of protein sequence and biophysical properties (such as structural, functional, and spatial information, amino acid conservation, physicochemical variation, residue mobility, and thermodynamic stability) performed at Invitae indicates that this missense variant is expected to disrupt BEST1 protein function. This variant has been observed in individual(s) with autosomal dominant Best macular dystrophy (PMID: 14517959, 28559085, Invitae). ClinVar contains an entry for this variant (Variation ID: 99748).

Institute of Human Genetics, Univ. Regensburg, Univ. Regensburg
Classification: Likely pathogenic for Retinal dystrophy. Last evaluated: 2016-01-01. Review status: criteria provided, single submitter. Criteria: ACMG Guidelines, 2015. Collection method: clinical testing. Allele origin: germline. Affected: yes.

Retina International
No classification provided. Review status: no classification provided. Collection method: not provided. Allele origin: not provided. Not counted in ClinVar's aggregate classification.

Literature cited by the submitters: PubMed 14517959 (cited by Labcorp Genetics (formerly Invitae), Labcorp and Institute of Human Genetics, Univ. Regensburg, Univ. Regensburg); PubMed 28559085 (cited by Labcorp Genetics (formerly Invitae), Labcorp); PubMed 2855908 (cited by Institute of Human Genetics, Univ. Regensburg, Univ. Regensburg).